The following is an entry in ClinVar:

ClinVar aggregate classification (germline): Uncertain significance. Review status: criteria provided, multiple submitters, no conflicts (2 of 4 stars). 2 submissions from 2 submitters: Uncertain significance (2). Last evaluated 2025-02-12.

Conditions:
Inborn genetic diseases. Identifiers: MedGen C0950123, MeSH D030342.

Allele frequency attached by ClinVar (database versions not stated): gnomAD 0.00001; TOPMed 0.00001.
gnomAD v4.1: 1 of 1,605,156 alleles (0.000062%); highest among the groups gnomAD compares: Non-Finnish European, 0.000085%; no homozygotes.

Submissions (2):

Ambry Genetics
Classification: Uncertain significance for Inborn genetic diseases. Last evaluated: 2025-02-12. Review status: criteria provided, single submitter. Criteria: Ambry Variant Classification Scheme 2023. Collection method: clinical testing. Allele origin: germline.

Labcorp Genetics (formerly Invitae), Labcorp
Classification: Uncertain significance. Last evaluated: 2024-02-05. Review status: criteria provided, single submitter. Criteria: Invitae Variant Classification Sherloc (09022015). Collection method: clinical testing. Allele origin: germline.
Comment: This sequence change replaces glycine, which is neutral and non-polar, with valine, which is neutral and non-polar, at codon 659 of the ASXL1 protein (p.Gly659Val). This variant is not present in population databases (gnomAD no frequency). This variant has not been reported in the literature in individuals affected with ASXL1-related conditions. An algorithm developed to predict the effect of missense changes on protein structure and function (PolyPhen-2) suggests that this variant is likely to be disruptive. In summary, the available evidence is currently insufficient to determine the role of this variant in disease. Therefore, it has been classified as a Variant of Uncertain Significance.

NM_015338.6(ASXL1):c.1976G>T (p.Gly659Val)

Gene: ASXL1 (ASXL transcriptional regulator 1; plus strand). Cytogenetic location: 20q11.21.
Variant type: single nucleotide variant.
Coding change: c.1976G>T on transcript NM_015338.6 (MANE Select); coding-DNA position 1976, G replaced by T.
Protein change: p.Gly659Val; replaces glycine 659 with valine.
Molecular consequence: missense variant.
Genome position (GRCh38, 1-based): chr20:32,434,688, G>T. VCF-style: chr20-32434688-G-T. GRCh37 (hg19) VCF-style: chr20-31022491-G-T.
Other names: c.1793G>T, p.Gly598Val (NM_001363734.1); short protein forms G659V, G598V.
Identifiers: ClinVar variation 2993080 (VCV002993080.5), dbSNP rs2011683620, ClinGen allele CA408558297.